The following is an entry in ClinVar:

NM_018089.3(ANKZF1):c.1295T>G (p.Val432Gly)

Gene: ANKZF1 (ankyrin repeat and zinc finger peptidyl tRNA hydrolase 1; plus strand). Cytogenetic location: 2q35.
Variant type: single nucleotide variant.
Coding change: c.1295T>G on transcript NM_018089.3 (MANE Select); coding-DNA position 1295, T replaced by G.
Protein change: p.Val432Gly; replaces valine 432 with glycine.
Molecular consequence: missense variant.
Genome position (GRCh38, 1-based): chr2:219,234,916, T>G. VCF-style: chr2-219234916-T-G. GRCh37 (hg19) VCF-style: chr2-220099638-T-G.
Other names: c.1295T>G, p.Val432Gly (NM_001042410.2); c.665T>G, p.Val222Gly (NM_001282792.2); short protein forms V432G, V222G.
Identifiers: ClinVar variation 4692647 (VCV004692647.1).

ClinVar aggregate classification (germline): Uncertain significance (1 of 4 stars; one submission).

Submission:

Labcorp Genetics (formerly Invitae), Labcorp
Classification: Uncertain significance. Last evaluated: 2025-06-09. Review status: criteria provided, single submitter. Criteria: Invitae Variant Classification Sherloc (09022015). Collection method: clinical testing. Allele origin: germline.
Comment: This sequence change replaces valine, which is neutral and non-polar, with glycine, which is neutral and non-polar, at codon 432 of the ANKZF1 protein (p.Val432Gly). This variant is not present in population databases (gnomAD no frequency). This variant has not been reported in the literature in individuals affected with ANKZF1-related conditions. An algorithm developed to predict the effect of missense changes on protein structure and function (PolyPhen-2) suggests that this variant is likely to be disruptive. In summary, the available evidence is currently insufficient to determine the role of this variant in disease. Therefore, it has been classified as a Variant of Uncertain Significance.